The following is an entry in ClinVar:

NM_007373.4(SHOC2):c.1587C>A (p.Asn529Lys)

Gene: SHOC2 (SHOC2 leucine rich repeat scaffold protein; plus strand). Cytogenetic location: 10q25.2.
Variant type: single nucleotide variant.
Coding change: c.1587C>A on transcript NM_007373.4 (MANE Select); coding-DNA position 1587, C replaced by A.
Protein change: p.Asn529Lys; replaces asparagine 529 with lysine.
Molecular consequence: missense variant. On other transcripts: non-coding transcript variant (1).
Genome position (GRCh38, 1-based): chr10:111,011,656, C>A. VCF-style: chr10-111011656-C-A. GRCh37 (hg19) VCF-style: chr10-112771414-C-A.
Other names: c.1449C>A, p.Asn483Lys (NM_001269039.3); c.1587C>A, p.Asn529Lys (NM_001324336.2, NM_001324337.2); short protein forms N529K, N483K.
Identifiers: ClinVar variation 1775821 (VCV001775821.2), dbSNP rs2493966097, ClinGen allele CA378526044.
Genomic context (GRCh38, chr10:111,011,656, plus strand): 5'-TTTTTTTTAAACAGGTACACTGGAGAACCTAGAAGAACTGTATTTGAATGACAACCCCAA[C>A]CTGCATAGCCTTCCCTTTGAGCTGGCACTCTGCAGCAAGCTTTCAATCATGAGTATTGAG-3'
Protein context (NP_031399.2, residues 519-539): LEELYLNDNP[Asn529Lys]LHSLPFELAL

ClinVar aggregate classification (germline): Uncertain significance (1 of 4 stars; one submission).

Conditions:
Cardiovascular phenotype. Identifiers: MedGen CN230736.

Allele frequency attached by ClinVar (database versions not stated): gnomAD exomes below 0.00001.
gnomAD v4.1: 2 of 1,613,860 alleles (0.00012%); highest among the groups gnomAD compares: South Asian, 0.0022%; no homozygotes.

Submission:

Ambry Genetics
Classification: Uncertain significance for Cardiovascular phenotype. Last evaluated: 2022-07-10. Review status: criteria provided, single submitter. Criteria: Ambry Variant Classification Scheme 2023. Collection method: clinical testing. Allele origin: germline.
Comment: The p.N529K variant (also known as c.1587C>A), located in coding exon 8 of the SHOC2 gene, results from a C to A substitution at nucleotide position 1587. The asparagine at codon 529 is replaced by lysine, an amino acid with similar properties. This amino acid position is conserved. In addition, this alteration is predicted to be tolerated by in silico analysis. Since supporting evidence is limited at this time, the clinical significance of this alteration remains unclear.